The following is an entry in ClinVar:

ClinVar aggregate classification (germline): Uncertain significance (1 of 4 stars; one submission).

Conditions:
Hypertrophic cardiomyopathy. Also called: HYPERTROPHIC MYOCARDIOPATHY. Identifiers: Orphanet 217569, MedGen C0007194, MeSH D002312, MONDO:0005045, HP:0001639.

Submission:

Labcorp Genetics (formerly Invitae), Labcorp
Classification: Uncertain significance for Hypertrophic cardiomyopathy. Last evaluated: 2022-07-29. Review status: criteria provided, single submitter. Criteria: Invitae Variant Classification Sherloc (09022015). Collection method: clinical testing. Allele origin: germline.
Comment: This sequence change replaces tyrosine, which is neutral and polar, with cysteine, which is neutral and slightly polar, at codon 55 of the MYBPC3 protein (p.Tyr55Cys). This variant is not present in population databases (gnomAD no frequency). This variant has not been reported in the literature in individuals affected with MYBPC3-related conditions. Algorithms developed to predict the effect of missense changes on protein structure and function (SIFT, PolyPhen-2, Align-GVGD) all suggest that this variant is likely to be disruptive. In summary, the available evidence is currently insufficient to determine the role of this variant in disease. Therefore, it has been classified as a Variant of Uncertain Significance.

NM_000256.3(MYBPC3):c.164A>G (p.Tyr55Cys)

Gene: MYBPC3 (myosin binding protein C3; minus strand). Cytogenetic location: 11p11.2.
Variant type: single nucleotide variant.
Coding change: c.164A>G on transcript NM_000256.3 (MANE Select); coding-DNA position 164, A replaced by G.
Protein change: p.Tyr55Cys; replaces tyrosine 55 with cysteine.
Molecular consequence: missense variant.
Genome position (GRCh38, 1-based): chr11:47,351,367, T>C on the plus strand (A>G on the coding strand, the complement: MYBPC3 is on the minus strand). VCF-style: chr11-47351367-T-C. GRCh37 (hg19) VCF-style: chr11-47372918-T-C.
Other names: short protein forms Y55C.
Identifiers: ClinVar variation 1714142 (VCV001714142.5), dbSNP rs2495786214, ClinGen allele CA380341796.
Genomic context (GRCh38, chr11:47,351,367, plus strand): 5'-TCGGCAGGGCCCACTTCCCGCACTGTCAGCGTATGCCGTGTGCCCTCTGTGGCCAGGCCG[T>C]ACTTGTTGCTGGCGCTGATGTCACTGCCTCCGCGCTGCCAGCGCACCTTCACTCCTGCCC-3'
Protein context (NP_000247.2, residues 45-65): GGSDISASNK[Tyr55Cys]GLATEGTRHT